The following is an entry in ClinVar:

NM_001754.5(RUNX1):c.968-16C>T

Gene: RUNX1 (RUNX family transcription factor 1; minus strand). Cytogenetic location: 21q22.12.
Variant type: single nucleotide variant.
Coding change: c.968-16C>T on transcript NM_001754.5 (MANE Select); 16 bases into the intron before coding-DNA position 968, C replaced by T.
Molecular consequence: intron variant.
Genome position (GRCh38, 1-based): chr21:34,792,626, G>A on the plus strand (C>T on the coding strand, the complement: RUNX1 is on the minus strand). VCF-style: chr21-34792626-G-A. GRCh37 (hg19) VCF-style: chr21-36164923-G-A.
Other names: c.887-16C>T (NM_001001890.3).
Identifiers: ClinVar variation 1623366 (VCV001623366.11), dbSNP rs558410967, ClinGen allele CA10014234.
Genomic context (GRCh38, chr21:34,792,626, plus strand): 5'-CGGGGAACTGGCGCGGGTCGCTGAACGCTGTCAGGTCGGGTGCCGCTGCAGGGCGGGCAA[G>A]AGAACGGAGCGGAAGTGAGTAGGAGGTTGCGGAGGCCACAGCTCTTCCCTCTGCCCCAGG-3'

ClinVar aggregate classification (germline): Likely benign. Review status: reviewed by expert panel (3 of 4 stars). 4 submissions from 4 submitters: Likely benign (1). 3 of the submissions do not count toward it. Last evaluated 2025-01-15.

Conditions:
Hereditary thrombocytopenia and hematologic cancer predisposition syndrome. Identifiers: Orphanet 71290, MedGen CN281654, MONDO:0011071.
Hereditary thrombocytopenia and hematological cancer predisposition syndrome associated with RUNX1. Also called: Familial Platelet Disorder with Propensity to Acute Myelogenous Leukemia; Familial thrombocytopenia with propensity to acute myelogenous leukemia; PLATELET DISORDER, ASPIRIN-LIKE; RUNX1 Familial Platelet Disorder with Associated Myeloid Malignancies. Identifiers: Orphanet 71290, MedGen C1832388, MeSH C563324, MONDO:0100083, OMIM 601399.

Allele frequency attached by ClinVar (database versions not stated): 1000 Genomes Project 30x 0.00016; 1000 Genomes Project 0.00020; gnomAD 0.00040 and 0.00041; TOPMed 0.00043.
gnomAD v4.1: 823 of 1,568,804 alleles (0.052%); highest among the groups gnomAD compares: Non-Finnish European, 0.067%; no homozygotes.

Submissions (4):

ClinGen Myeloid Malignancy Variant Curation Expert Panel
Classification: Likely benign for Hereditary thrombocytopenia and hematologic cancer predisposition syndrome. Last evaluated: 2025-01-15. Review status: reviewed by expert panel. Criteria: ClinGen MyeloMalig ACMG Specifications v2. Collection method: curation. Allele origin: germline. Inheritance: Autosomal dominant inheritance.
Comment: NM_001754.5(RUNX1):c.968-16C>T is an intronic variant with a MAF of 0.0007794 (0.07794%, 53/68004, 53 alleles) in the European (non-finnish) subpopulation of the gnomAD 3.1.2 cohort which is between 0.00015 (0.015%) and 0.0015 (0.15%) (BS1). This intronic variant has a SpliceAI score ≤ 0.20 (0.0) (BP4). This variant has a SpliceAI score ≤ 0.20 (0.0) and evolutionary conservation prediction algorithms predict the site as not being conserved (PhyloP score ≤ 2.0 (0.12) (BP7). In summary, this variant meets criteria to be classified as likely benign. ACMG/AMP criteria applied, as specified by the Myeloid Malignancy Variant Curation Expert Panel for RUNX1: BS1, BP4, BP7.

Labcorp Genetics (formerly Invitae), Labcorp
Classification: Likely benign for Hereditary thrombocytopenia and hematological cancer predisposition syndrome associated with RUNX1. Last evaluated: 2026-01-11. Review status: criteria provided, single submitter. Criteria: Invitae Variant Classification Sherloc (09022015). Collection method: clinical testing. Allele origin: germline. Not counted in ClinVar's aggregate classification.

Women's Health and Genetics/Laboratory Corporation of America, LabCorp
Classification: Likely benign. Last evaluated: 2025-07-15. Review status: criteria provided, single submitter. Criteria: LabCorp Variant Classification Summary - May 2015. Collection method: clinical testing. Allele origin: germline. Not counted in ClinVar's aggregate classification.
Comment: Variant summary: RUNX1 c.968-16C>T alters a nucleotide located at a position not widely known to affect splicing. Consensus agreement among computation tools predict no significant impact on normal splicing. However, these predictions have yet to be confirmed by functional studies. The variant allele was found at a frequency of 0.00024 in 165618 control chromosomes. This frequency is not significantly higher than estimated for a pathogenic variant in RUNX1 causing Hereditary Thrombocytopenia And Hematological Cancer Predisposition Syndrome Associated With RUNX1, allowing no conclusion about variant significance. To our knowledge, no occurrence of c.968-16C>T in individuals affected with Hereditary Thrombocytopenia And Hematological Cancer Predisposition Syndrome Associated With RUNX1 and no experimental evidence demonstrating its impact on protein function have been reported. ClinVar contains an entry for this variant (Variation ID: 1623366). Based on the evidence outlined above, the variant was classified as likely benign.

Blueprint Genetics
Classification: Likely benign. Last evaluated: 2024-09-20. Review status: criteria provided, single submitter. Criteria: ACMG Guidelines, 2015. Collection method: clinical testing. Allele origin: germline. Not counted in ClinVar's aggregate classification.

Literature cited by the submitters: PubMed 27288520 (cited by Women's Health and Genetics/Laboratory Corporation of America, LabCorp); PubMed 17910630 (cited by Women's Health and Genetics/Laboratory Corporation of America, LabCorp); PubMed 21343560 (cited by Women's Health and Genetics/Laboratory Corporation of America, LabCorp); PubMed 27137476 (cited by Women's Health and Genetics/Laboratory Corporation of America, LabCorp); PubMed 21828118 (cited by Women's Health and Genetics/Laboratory Corporation of America, LabCorp); PubMed 19334039 (cited by Women's Health and Genetics/Laboratory Corporation of America, LabCorp); PubMed 22753902 (cited by Women's Health and Genetics/Laboratory Corporation of America, LabCorp); PubMed 21148331 (cited by Women's Health and Genetics/Laboratory Corporation of America, LabCorp); PubMed 19808697 (cited by Women's Health and Genetics/Laboratory Corporation of America, LabCorp); PubMed 22318203 (cited by Women's Health and Genetics/Laboratory Corporation of America, LabCorp); PubMed 27895058 (cited by Women's Health and Genetics/Laboratory Corporation of America, LabCorp); PubMed 27276561 (cited by Women's Health and Genetics/Laboratory Corporation of America, LabCorp); PubMed 27069254 (cited by Women's Health and Genetics/Laboratory Corporation of America, LabCorp).